The following is an entry in ClinVar:

NM_000891.3(KCNJ2):c.529G>A (p.Gly177Ser)

Gene: KCNJ2 (potassium inwardly rectifying channel subfamily J member 2; plus strand). Cytogenetic location: 17q24.3.
Variant type: single nucleotide variant.
Coding change: c.529G>A on transcript NM_000891.3 (MANE Select); coding-DNA position 529, G replaced by A.
Protein change: p.Gly177Ser; replaces glycine 177 with serine.
Molecular consequence: missense variant.
Genome position (GRCh38, 1-based): chr17:70,175,568, G>A. VCF-style: chr17-70175568-G-A. GRCh37 (hg19) VCF-style: chr17-68171709-G-A.
Other names: short protein forms G177S.
Identifiers: ClinVar variation 451172 (VCV000451172.4), dbSNP rs1555603949, ClinGen allele CA400860870.
Genomic context (GRCh38, chr17:70,175,568, plus strand): 5'-GCTGTTTTCATGGTGGTGTTCCAGTCAATCGTGGGCTGCATCATCGATGCTTTCATCATT[G>A]GCGCAGTCATGGCCAAGATGGCAAAGCCAAAGAAGAGAAACGAGACTCTTGTCTTCAGTC-3'
Protein context (NP_000882.1, residues 167-187): VGCIIDAFII[Gly177Ser]AVMAKMAKPK

ClinVar aggregate classification (germline): Uncertain significance (1 of 4 stars; one submission).

Submission:

GeneDx
Classification: Uncertain significance. Last evaluated: 2021-01-04. Review status: criteria provided, single submitter. Criteria: GeneDx Variant Classification Process June 2021. Collection method: clinical testing. Allele origin: germline. Affected: yes.
Comment: Not observed in large population cohorts (Lek et al., 2016); In silico analysis supports that this missense variant has a deleterious effect on protein structure/function; Has not been previously published as pathogenic or benign to our knowledge